The following is an entry in ClinVar:

ClinVar aggregate classification (germline): Likely benign (1 of 4 stars; one submission).

Allele frequency attached by ClinVar (database versions not stated): ESP Exome Variant Server 0.00015; 1000 Genomes Project 30x 0.00021.

Submission:

CeGaT Center for Human Genetics Tuebingen
Classification: Likely benign. Last evaluated: 2022-11-01. Review status: criteria provided, single submitter. Criteria: CeGaT Center For Human Genetics Tuebingen Variant Classification Criteria Version 2. Collection method: clinical testing. Allele origin: germline. Affected: yes. Observed: 1 variant allele.
Comment: SLC25A6: BP4, BP7, BS2

NM_001636.4(SLC25A6):c.375G>A (p.Ala125=)

Gene: SLC25A6 (solute carrier family 25 member 6; minus strand). Cytogenetic location: Xp22.33.
Variant type: single nucleotide variant.
Coding change: c.375G>A on transcript NM_001636.4 (MANE Select); coding-DNA position 375, G replaced by A.
Protein change: p.Ala125=; no amino-acid change (alanine 125 retained).
Molecular consequence: synonymous variant.
Genome position (GRCh38, 1-based): chrX:1,389,464, C>T on the plus strand (G>A on the coding strand, the complement: SLC25A6 is on the minus strand). VCF-style: chrX-1389464-C-T. GRCh37 (hg19) VCF-style: chrX-1508357-C-T.
Identifiers: ClinVar variation 2659859 (VCV002659859.24), dbSNP rs17848744, ClinGen allele CA10332497.